The following is an entry in ClinVar:

NM_020207.7(ERCC6L2):c.3874C>T (p.Arg1292Cys)

Gene: ERCC6L2 (ERCC excision repair 6 like 2; plus strand). Cytogenetic location: 9q22.32.
Variant type: single nucleotide variant.
Coding change: c.3874C>T on transcript NM_020207.7 (MANE Select); coding-DNA position 3874, C replaced by T.
Protein change: p.Arg1292Cys; replaces arginine 1292 with cysteine.
Molecular consequence: missense variant. On other transcripts: non-coding transcript variant (1), intron variant (2).
Genome position (GRCh38, 1-based): chr9:96,012,424, C>T. VCF-style: chr9-96012424-C-T. GRCh37 (hg19) VCF-style: chr9-98774706-C-T.
Other names: c.3674+7723C>T (NM_001375291.1, NM_001375292.1); short protein forms R1292C.
Identifiers: ClinVar variation 2787563 (VCV002787563.3), dbSNP rs761192933, ClinGen allele CA5140009.

ClinVar aggregate classification (germline): Uncertain significance (1 of 4 stars; one submission).

Allele frequency attached by ClinVar (database versions not stated): gnomAD exomes below 0.00001; ExAC 0.00001; gnomAD 0.00001; TOPMed 0.00001.
gnomAD v4.1: 5 of 1,363,712 alleles (0.00037%); highest among the groups gnomAD compares: Middle Eastern, 0.021%; no homozygotes.

Submission:

Labcorp Genetics (formerly Invitae), Labcorp
Classification: Uncertain significance. Last evaluated: 2022-11-29. Review status: criteria provided, single submitter. Criteria: Invitae Variant Classification Sherloc (09022015). Collection method: clinical testing. Allele origin: germline.
Comment: This sequence change replaces arginine, which is basic and polar, with cysteine, which is neutral and slightly polar, at codon 1303 of the ERCC6L2 protein (p.Arg1303Cys). This variant is present in population databases (rs761192933, gnomAD 0.002%). In summary, the available evidence is currently insufficient to determine the role of this variant in disease. Therefore, it has been classified as a Variant of Uncertain Significance. Algorithms developed to predict the effect of missense changes on protein structure and function are either unavailable or do not agree on the potential impact of this missense change (SIFT: "Deleterious"; PolyPhen-2: "Not Available"; Align-GVGD: "Class C0"). This variant has not been reported in the literature in individuals affected with ERCC6L2-related conditions.